The following is an entry in ClinVar:

ClinVar aggregate classification (germline): Uncertain significance (1 of 4 stars; one submission).

Conditions:
EP300-related disorder. Also called: EP300-related condition; EP300-related disorders.

Submission:

PreventionGenetics, part of Exact Sciences
Classification: Uncertain significance for EP300-related condition. Last evaluated: 2024-11-29. Review status: criteria provided, single submitter. Criteria: ACMG Guidelines, 2015. Collection method: clinical testing. Allele origin: germline.
Comment: The EP300 c.4934G>C variant is predicted to result in the amino acid substitution p.Arg1645Pro. To our knowledge, this variant has not been reported in the literature or in a large population database (gnomAD), indicating this variant is rare. At this time, the clinical significance of this variant is uncertain due to the absence of conclusive functional and genetic evidence.

NM_001429.4(EP300):c.4934G>C (p.Arg1645Pro)

Gene: EP300 (EP300 lysine acetyltransferase; plus strand). Cytogenetic location: 22q13.2.
Variant type: single nucleotide variant.
Coding change: c.4934G>C on transcript NM_001429.4 (MANE Select); coding-DNA position 4934, G replaced by C.
Protein change: p.Arg1645Pro; replaces arginine 1645 with proline.
Molecular consequence: missense variant.
Genome position (GRCh38, 1-based): chr22:41,176,401, G>C. VCF-style: chr22-41176401-G-C. GRCh37 (hg19) VCF-style: chr22-41572405-G-C.
Other names: c.4856G>C, p.Arg1619Pro (NM_001362843.2); short protein forms R1619P, R1645P.
Identifiers: ClinVar variation 5000277 (VCV005000277.1).